The following is an entry in ClinVar:

NM_001928.4(CFD):c.118A>G (p.Met40Val)

Gene: CFD (complement factor D; plus strand). Cytogenetic location: 19p13.3.
Variant type: single nucleotide variant.
Coding change: c.118A>G on transcript NM_001928.4 (MANE Select); coding-DNA position 118, A replaced by G.
Protein change: p.Met40Val; replaces methionine 40 with valine.
Molecular consequence: missense variant.
Genome position (GRCh38, 1-based): chr19:860,679, A>G. VCF-style: chr19-860679-A-G. GRCh37 (hg19) VCF-style: chr19-860679-A-G.
Other names: c.139A>G, p.Met47Val (NM_001317335.2); c.118A>G (NM_001928.2); short protein forms M40V, M47V.
Identifiers: ClinVar variation 1511411 (VCV001511411.7), dbSNP rs1275194838, ClinGen allele CA402920637.

ClinVar aggregate classification (germline): Uncertain significance. Review status: criteria provided, multiple submitters, no conflicts (2 of 4 stars). 2 submissions from 2 submitters: Uncertain significance (2). Last evaluated 2025-07-28.

Allele frequency attached by ClinVar (database versions not stated): gnomAD 0.00001; TOPMed 0.00001.
gnomAD v4.1: 17 of 1,537,720 alleles (0.0011%); highest among the groups gnomAD compares: Non-Finnish European, 0.0014%; no homozygotes.

Submissions (2):

Labcorp Genetics (formerly Invitae), Labcorp
Classification: Uncertain significance. Last evaluated: 2025-07-28. Review status: criteria provided, single submitter. Criteria: Invitae Variant Classification Sherloc (09022015). Collection method: clinical testing. Allele origin: germline.
Comment: This sequence change replaces methionine, which is neutral and non-polar, with valine, which is neutral and non-polar, at codon 40 of the CFD protein (p.Met40Val). The frequency data for this variant in the population databases is considered unreliable, as metrics indicate poor data quality at this position in the gnomAD database. This variant has not been reported in the literature in individuals affected with CFD-related conditions. ClinVar contains an entry for this variant (Variation ID: 1511411). An algorithm developed to predict the effect of missense changes on protein structure and function (PolyPhen-2) suggests that this variant is likely to be disruptive. In summary, the available evidence is currently insufficient to determine the role of this variant in disease. Therefore, it has been classified as a Variant of Uncertain Significance.

Ambry Genetics
Classification: Uncertain significance. Last evaluated: 2021-08-23. Review status: criteria provided, single submitter. Criteria: Ambry Variant Classification Scheme 2023. Collection method: clinical testing. Allele origin: germline.